The following is an entry in ClinVar:

ClinVar aggregate classification (germline): Conflicting classifications of pathogenicity. Review status: criteria provided, conflicting classifications (1 of 4 stars). 3 submissions from 3 submitters: Uncertain significance (1); Likely benign (2). Last evaluated 2026-08-01.

Conditions:
Focal segmental glomerulosclerosis 2 (FSGS2). Identifiers: Orphanet 656, MedGen C1858915, MONDO:0011390, OMIM 603965.

Allele frequency attached by ClinVar (database versions not stated): gnomAD 0.00002; ExAC 0.00003; gnomAD exomes 0.00003; TOPMed 0.00005.

Submissions (3):

CeGaT Center for Human Genetics Tuebingen
Classification: Likely benign. Last evaluated: 2026-08-01. Review status: criteria provided, single submitter. Criteria: CeGaT Center For Human Genetics Tuebingen Variant Classification Criteria Version 2. Collection method: clinical testing. Allele origin: germline. Affected: yes. Observed: 1 variant allele.
Comment: TRPC6: BP4, BP7

Labcorp Genetics (formerly Invitae), Labcorp
Classification: Likely benign. Last evaluated: 2024-04-06. Review status: criteria provided, single submitter. Criteria: Invitae Variant Classification Sherloc (09022015). Collection method: clinical testing. Allele origin: germline.

Fulgent Genetics
Classification: Uncertain significance for Focal segmental glomerulosclerosis 2. Last evaluated: 2023-12-23. Review status: criteria provided, single submitter. Criteria: ACMG Guidelines, 2015. Collection method: clinical testing. Allele origin: germline.

NM_004621.6(TRPC6):c.2256C>T (p.Ser752=)

Gene: TRPC6 (transient receptor potential cation channel subfamily C member 6; minus strand). Cytogenetic location: 11q22.1.
Variant type: single nucleotide variant.
Coding change: c.2256C>T on transcript NM_004621.6 (MANE Select); coding-DNA position 2256, C replaced by T.
Protein change: p.Ser752=; no amino-acid change (serine 752 retained).
Molecular consequence: synonymous variant.
Genome position (GRCh38, 1-based): chr11:101,471,336, G>A on the plus strand (C>T on the coding strand, the complement: TRPC6 is on the minus strand). VCF-style: chr11-101471336-G-A. GRCh37 (hg19) VCF-style: chr11-101342067-G-A.
Identifiers: ClinVar variation 2188302 (VCV002188302.6), dbSNP rs199945898, ClinGen allele CA6244169.
Genomic context (GRCh38, chr11:101,471,336, plus strand): 5'-GGACTTTGGACTCGGCACCAGATTGAAGGGTACAGGAAGTGTTCTGCCCTCCTCAAAGTA[G>A]GAAAACCAGAGTTTGGCCCTTGCAAATTTCCACTCCACATCAGCGTCATCCTATACAAAT-3'
Protein context (NP_004612.2, residues 742-762): WKFARAKLWF[Ser752=]YFEEGRTLPV